The following is an entry in ClinVar:

ClinVar aggregate classification (germline): Pathogenic. Review status: criteria provided, multiple submitters, no conflicts (2 of 4 stars). 17 submissions from 17 submitters: Pathogenic (13). 4 of the submissions do not count toward it. Last evaluated 2024-10-17.

Conditions:
GNAO1-related disorder. Also called: GNAO1-related condition; GNAO1-Related Disorders. Identifiers: MedGen CN381308.
Neurodevelopmental disorder with involuntary movements (NEDIM). Identifiers: Orphanet 592564, MedGen C4479569, MONDO:0060491, OMIM 617493.
Developmental and epileptic encephalopathy, 17 (DEE17). Also called: Early infantile epileptic encephalopathy 17. Identifiers: Orphanet 1934, MedGen C3809606, MONDO:0014199, OMIM 615473.
GNAO1-Related Neurodevelopmental Disorder.
Early-infantile DEE. Also called: Ohtahara syndrome; Early infantile epileptic encephalopathy with suppression bursts; Early infantile epileptic encephalopathy. Identifiers: Orphanet 1934, MedGen C0393706, MONDO:0800491.
Rare genetic intellectual disability. Identifiers: Orphanet 183757, MedGen C5680527.
Abnormality of the nervous system. Also called: Congenital nervous system disorder. Identifiers: MedGen C0497552, MONDO:0002320, HP:0000707.
Microcephaly. Also called: Microcephaly (disease). Identifiers: MedGen C4551563, MONDO:0001149, HP:0000252.

Submissions (17):

Labcorp Genetics (formerly Invitae), Labcorp
Classification: Pathogenic for Early-infantile DEE. Last evaluated: 2024-10-17. Review status: criteria provided, single submitter. Criteria: Invitae Variant Classification Sherloc (09022015). Collection method: clinical testing. Allele origin: germline.
Comment: This sequence change replaces glycine, which is neutral and non-polar, with arginine, which is basic and polar, at codon 203 of the GNAO1 protein (p.Gly203Arg). This variant is not present in population databases (gnomAD no frequency). This missense change has been observed in individual(s) with Ohtahara syndrome, early infantile epileptic encephalopathy, and movement disorder (PMID: 23993195, 25966631, 26060304, 27072799, 28202424). In at least one individual the variant was observed to be de novo. ClinVar contains an entry for this variant (Variation ID: 66115). Invitae Evidence Modeling of protein sequence and biophysical properties (such as structural, functional, and spatial information, amino acid conservation, physicochemical variation, residue mobility, and thermodynamic stability) indicates that this missense variant is expected to disrupt GNAO1 protein function with a positive predictive value of 95%. Experimental studies have shown that this missense change affects GNAO1 function (PMID: 28747448). For these reasons, this variant has been classified as Pathogenic.

Victorian Clinical Genetics Services, Murdoch Childrens Research Institute
Classification: Pathogenic for Developmental and epileptic encephalopathy, 17. Last evaluated: 2024-10-06. Review status: criteria provided, single submitter. Criteria: ACMG Guidelines, 2015. Collection method: clinical testing. Allele origin: germline. Affected: yes.
Comment: This variant is classified as Pathogenic. Evidence in support of pathogenic classification: Variant is absent from gnomAD (v2, v3 and v4); This variant has strong previous evidence of pathogenicity in unrelated individuals. This variant, alongside an alternative nucleotide change with the same protein consequence, has been reported multiple times as pathogenic by clinical laboratories in ClinVar. - Missense variant predicted to be damaging by in silico tool or highly conserved with a major amino acid change; Additional information: Variant is predicted to result in a missense amino acid change from glycine to arginine; This variant is heterozygous; This gene is associated with autosomal dominant disease; Variant is located in the annotated G-alpha domain (DECIPHER); Both loss of function and gain of function are known mechanisms of disease for this gene. Loss of function variants are found throughout the protein, and result in developmental and epileptic encephalopathy 17 (MIM#615473). Gain of function variants cluster near amino acid 184 and within the RGS binding domain, causing a neurodevelopmental disorder with involuntary movements (MIM#617493) (PMID: 28747448, OMIM).

Institute of Medical Genetics and Applied Genomics, University Hospital Tübingen
Classification: Pathogenic for Developmental and epileptic encephalopathy, 17. Last evaluated: 2024-06-12. Review status: criteria provided, single submitter. Criteria: ACMG Guidelines, 2015. Collection method: clinical testing. Allele origin: germline. Inheritance: Autosomal dominant inheritance. Affected: yes.

PreventionGenetics, part of Exact Sciences
Classification: Pathogenic for GNAO1-related condition. Last evaluated: 2022-08-29. Review status: criteria provided, single submitter. Criteria: ACMG Guidelines, 2015. Collection method: clinical testing. Allele origin: germline.
Comment: The GNAO1 c.607G>A variant is predicted to result in the amino acid substitution p.Gly203Arg. This is a recurrent de novo variant reported in individuals with epileptic encephalopathy (Table 1, Nakamura et al. 2013. PubMed ID: 23993195; Arya et al. 2017. PubMed ID: 28202424; Table 1A, Fernández-Marmiesse et al. 2019. PubMed ID: 31780880). This variant has not been reported in a large population database, indicating this variant is rare. This variant is interpreted as pathogenic.

Revvity Omics, Revvity
Classification: Pathogenic. Last evaluated: 2022-02-02. Review status: criteria provided, single submitter. Criteria: ACMG Guidelines, 2015. Collection method: clinical testing. Allele origin: germline.

GeneDx
Classification: Pathogenic. Last evaluated: 2022-01-19. Review status: criteria provided, single submitter. Criteria: GeneDx Variant Classification Process June 2021. Collection method: clinical testing. Allele origin: germline. Affected: yes.
Comment: Not observed at significant frequency in large population cohorts (gnomAD); In silico analysis supports that this missense variant has a deleterious effect on protein structure/function; This variant is associated with the following publications: (PMID: 25966631, 23993195, 28973083, 28628939, 28202424, 28688840, 29100083, 30642806, 31780880, 31737037, 34440436, 34122306, 33584783)

MGZ Medical Genetics Center
Classification: Pathogenic for Developmental and epileptic encephalopathy, 17. Last evaluated: 2021-09-24. Review status: criteria provided, single submitter. Criteria: ACMG Guidelines, 2015. Collection method: clinical testing. Allele origin: germline. Affected: yes. Observed: 1 variant allele.
Comment: ACMG criteria applied: PS1, PS3, PM1, PM5, PM2_SUP, PP2, PP3

Kariminejad - Najmabadi Pathology & Genetics Center
Classification: Pathogenic for Abnormality of the nervous system. Last evaluated: 2021-07-10. Review status: criteria provided, single submitter. Criteria: ACMG Guidelines, 2015. Collection method: clinical testing. Allele origin: de novo. Affected: yes.

CeGaT Center for Human Genetics Tuebingen
Classification: Pathogenic. Last evaluated: 2020-11-01. Review status: criteria provided, single submitter. Criteria: CeGaT Center For Human Genetics Tuebingen Variant Classification Criteria Version 2. Collection method: clinical testing. Allele origin: germline. Affected: yes. Observed: 2 variant alleles.

Blueprint Genetics
Classification: Pathogenic for GNAO1-related disorders. Last evaluated: 2020-01-17. Review status: criteria provided, single submitter. Criteria: ACMG Guidelines, 2015. Collection method: clinical testing. Allele origin: de novo. Affected: yes. Observed: 1 variant allele.

Fulgent Genetics
Classification: Pathogenic for Developmental and epileptic encephalopathy, 17; Neurodevelopmental disorder with involuntary movements. Last evaluated: 2018-10-31. Review status: criteria provided, single submitter. Criteria: ACMG Guidelines, 2015. Collection method: clinical testing. Allele origin: unknown.

Institute of Human Genetics Munich, TUM University Hospital
Classification: Pathogenic for Developmental and epileptic encephalopathy, 17. Last evaluated: 2017-11-08. Review status: criteria provided, single submitter. Criteria: Classification criteria August 2017. Collection method: clinical testing. Allele origin: de novo. Inheritance: Autosomal dominant inheritance. Affected: yes. Observed: 1 heterozygote.

Cytogénomique, Hospices Civils de Lyon
Classification: Pathogenic for Developmental and epileptic encephalopathy, 17. Review status: criteria provided, single submitter. Criteria: ACMG Guidelines, 2015. Collection method: clinical testing. Allele origin: de novo. Inheritance: Autosomal dominant inheritance. Affected: yes.

Pediatric Department, Peking University First Hospital
Classification: Pathogenic for Developmental and epileptic encephalopathy, 17; Neurodevelopmental disorder with involuntary movements. Last evaluated: 2021-02-03. Review status: no assertion criteria provided. Collection method: clinical testing. Allele origin: de novo. Affected: yes. Not counted in ClinVar's aggregate classification.

OMIM
Classification: Pathogenic for DEVELOPMENTAL AND EPILEPTIC ENCEPHALOPATHY 17. Last evaluated: 2013-09-05. Review status: no assertion criteria provided. Collection method: literature only. Allele origin: germline. Not counted in ClinVar's aggregate classification.

Department of Pediatrics, Samsung Medical Center, Samsung Medical Center
Classification: Likely pathogenic for Microcephaly. Review status: no assertion criteria provided. Criteria: ACMG Guidelines, 2015. Collection method: research. Allele origin: de novo. Affected: yes. Not counted in ClinVar's aggregate classification.

Service de Génétique Moléculaire, Hôpital Robert Debré
Classification: Pathogenic for Rare genetic intellectual disability. Review status: no assertion criteria provided. Collection method: clinical testing. Allele origin: de novo. Affected: yes. Not counted in ClinVar's aggregate classification.

Literature cited by the submitters: PubMed 23993195 (cited by 3 submitters); PubMed 25966631 (cited by 3 submitters); PubMed 26060304 (cited by Labcorp Genetics (formerly Invitae), Labcorp); PubMed 27072799 (cited by Labcorp Genetics (formerly Invitae), Labcorp); PubMed 28202424 (cited by Labcorp Genetics (formerly Invitae), Labcorp and Pediatric Department, Peking University First Hospital); PubMed 28747448 (cited by 3 submitters); PubMed 28628939 (cited by Pediatric Department, Peking University First Hospital).

NM_020988.3(GNAO1):c.607G>A (p.Gly203Arg)

Gene: GNAO1 (G protein subunit alpha o1; plus strand). Cytogenetic location: 16q13.
Variant type: single nucleotide variant.
Coding change: c.607G>A on transcript NM_020988.3 (MANE Select); coding-DNA position 607, G replaced by A.
Protein change: p.Gly203Arg; replaces glycine 203 with arginine.
Molecular consequence: missense variant.
Genome position (GRCh38, 1-based): chr16:56,336,744, G>A. VCF-style: chr16-56336744-G-A. GRCh37 (hg19) VCF-style: chr16-56370656-G-A.
Other names: c.607G>A, p.Gly203Arg (NM_138736.3); short protein forms G203R.
Identifiers: ClinVar variation 66115 (VCV000066115.89), dbSNP rs587777057, ClinGen allele CA214450.